The following is an entry in ClinVar:

NM_001042681.2(RERE):c.3544C>G (p.Arg1182Gly)

Gene: RERE (arginine-glutamic acid dipeptide repeats; minus strand). Cytogenetic location: 1p36.23.
Variant type: single nucleotide variant.
Coding change: c.3544C>G on transcript NM_001042681.2 (MANE Select); coding-DNA position 3544, C replaced by G.
Protein change: p.Arg1182Gly; replaces arginine 1182 with glycine.
Molecular consequence: missense variant.
Genome position (GRCh38, 1-based): chr1:8,359,838, G>C on the plus strand (C>G on the coding strand, the complement: RERE is on the minus strand). VCF-style: chr1-8359838-G-C. GRCh37 (hg19) VCF-style: chr1-8419898-G-C.
Other names: c.1882C>G, p.Arg628Gly (NM_001042682.2); c.3544C>G, p.Arg1182Gly (NM_012102.4); short protein forms R1182G, R628G.
Identifiers: ClinVar variation 1342096 (VCV001342096.2), dbSNP rs2124364403, ClinGen allele CA338170353.
Genomic context (GRCh38, chr1:8,359,838, plus strand): 5'-CCTCGCGCTCCCGCTCTCGCTCCCGCTCCCGCTCCTTCTCCTTCTCCTTCTCCCGCTCTC[G>C]CTCCTCTCGGGCTTTCTGCTCAGCCTCGCGCTTGGCCTTCTCAATGGCCTCCTCCCTCTT-3'
Protein context (NP_001036146.1, residues 1172-1192): REAEQKAREE[Arg1182Gly]EREKEKEKER

ClinVar aggregate classification (germline): Uncertain significance (1 of 4 stars; one submission).

gnomAD v4.1: 1 of 1,609,902 alleles (0.000062%); highest among the groups gnomAD compares: Non-Finnish European, 0.000085%; no homozygotes.

Submission:

GeneDx
Classification: Uncertain significance. Last evaluated: 2022-02-16. Review status: criteria provided, single submitter. Criteria: GeneDx Variant Classification Process June 2021. Collection method: clinical testing. Allele origin: germline. Affected: yes.
Comment: Not observed at significant frequency in large population cohorts (gnomAD); In silico analysis supports that this missense variant has a deleterious effect on protein structure/function; Has not been previously published as pathogenic or benign to our knowledge; This variant is associated with the following publications: (PMID: 27535533)